The following is an entry in ClinVar:

ClinVar aggregate classification (germline): Uncertain significance (1 of 4 stars; one submission).

Conditions:
Hereditary spastic paraplegia 3A (SPG3A). Also called: SPASTIC PARAPLEGIA 3, AUTOSOMAL DOMINANT; FAMILIAL SPASTIC PARAPLEGIA, AUTOSOMAL DOMINANT, 1; SPG3; STRUMPELL DISEASE; Spastic Paraplegia 3A; Spastic paraplegia 3A, autosomal dominant. Identifiers: Orphanet 100984, MedGen C2931355, MONDO:0008437, OMIM 182600.

Submission:

Labcorp Genetics (formerly Invitae), Labcorp
Classification: Uncertain significance for Hereditary spastic paraplegia 3A. Last evaluated: 2025-03-02. Review status: criteria provided, single submitter. Criteria: Invitae Variant Classification Sherloc (09022015). Collection method: clinical testing. Allele origin: germline.
Comment: This sequence change replaces isoleucine, which is neutral and non-polar, with threonine, which is neutral and polar, at codon 486 of the ATL1 protein (p.Ile486Thr). This variant is not present in population databases (gnomAD no frequency). This missense change has been observed in individual(s) with clinical features of autosomal recessive ATL1-related conditions (internal data). Invitae Evidence Modeling of protein sequence and biophysical properties (such as structural, functional, and spatial information, amino acid conservation, physicochemical variation, residue mobility, and thermodynamic stability) has been performed for this missense variant. However, the output from this modeling did not meet the statistical confidence thresholds required to predict the impact of this variant on ATL1 protein function. In summary, the available evidence is currently insufficient to determine the role of this variant in disease. Therefore, it has been classified as a Variant of Uncertain Significance.

NM_015915.5(ATL1):c.1457T>C (p.Ile486Thr)

Gene: ATL1 (atlastin GTPase 1; plus strand). Cytogenetic location: 14q22.1.
Variant type: single nucleotide variant.
Coding change: c.1457T>C on transcript NM_015915.5 (MANE Select); coding-DNA position 1457, T replaced by C.
Protein change: p.Ile486Thr; replaces isoleucine 486 with threonine.
Molecular consequence: missense variant.
Genome position (GRCh38, 1-based): chr14:50,628,368, T>C. VCF-style: chr14-50628368-T-C. GRCh37 (hg19) VCF-style: chr14-51095086-T-C.
Other names: c.1457T>C, p.Ile486Thr (NM_001127713.1, NM_181598.4); short protein forms I486T.
Identifiers: ClinVar variation 4773384 (VCV004773384.1).